The following is an entry in ClinVar:

NM_001985.3(ETFB):c.452C>T (p.Ser151Phe)

Gene: ETFB (electron transfer flavoprotein subunit beta; minus strand). Cytogenetic location: 19q13.41.
Variant type: single nucleotide variant.
Coding change: c.452C>T on transcript NM_001985.3 (MANE Select); coding-DNA position 452, C replaced by T.
Protein change: p.Ser151Phe; replaces serine 151 with phenylalanine.
Molecular consequence: missense variant.
Genome position (GRCh38, 1-based): chr19:51,347,045, G>A on the plus strand (C>T on the coding strand, the complement: ETFB is on the minus strand). VCF-style: chr19-51347045-G-A. GRCh37 (hg19) VCF-style: chr19-51850299-G-A.
Other names: c.725C>T, p.Ser242Phe (NM_001014763.1); short protein forms S242F, S151F.
Identifiers: ClinVar variation 697821 (VCV000697821.12), dbSNP rs74735908, ClinGen allele CA9610740.
Genomic context (GRCh38, chr19:51,347,045, plus strand): 5'-TCCAGGCCCCCATCGATCTCCCGCTCCACTTTCAACTTGTCCCCCTCCAGCGTCACCTGG[G>A]AGGCGAATGTGCCCTGGGGAGGGACAGTGTAGGAGGAGAGTGGGTGAGGCTAATTCAGGT-3'
Protein context (NP_001976.1, residues 141-161): FLDWPQGTFA[Ser151Phe]QVTLEGDKLK

ClinVar aggregate classification (germline): Conflicting classifications of pathogenicity. Review status: criteria provided, conflicting classifications (1 of 4 stars). 2 submissions from 2 submitters: Uncertain significance (1); Likely benign (1). Last evaluated 2026-01-28.

Conditions:
Multiple acyl-CoA dehydrogenase deficiency (MADD). Also called: Glutaric aciduria, type 2; Glutaric acidemia type II; GA 2; ETHYLMALONIC-ADIPICACIDURIA; GA II; Glutaric Acidemia type 2. Identifiers: Orphanet 26791, MedGen C0268596, MONDO:0009282, OMIM 231680.

Allele frequency attached by ClinVar (database versions not stated): gnomAD 0.00019 and 0.00030; gnomAD exomes 0.00020 and 0.00045; TOPMed 0.00028; ExAC 0.00047; 1000 Genomes Project 30x 0.00172; 1000 Genomes Project 0.00220.
gnomAD v4.1: 342 of 1,614,022 alleles (0.021%); highest among the groups gnomAD compares: East Asian, 0.68%; no homozygotes.

Submissions (2):

Labcorp Genetics (formerly Invitae), Labcorp
Classification: Likely benign for Multiple acyl-CoA dehydrogenase deficiency. Last evaluated: 2026-01-28. Review status: criteria provided, single submitter. Criteria: Invitae Variant Classification Sherloc (09022015). Collection method: clinical testing. Allele origin: germline.

GeneDx
Classification: Uncertain significance. Last evaluated: 2022-05-05. Review status: criteria provided, single submitter. Criteria: GeneDx Variant Classification Process June 2021. Collection method: clinical testing. Allele origin: germline. Affected: yes.
Comment: In silico analysis supports that this missense variant has a deleterious effect on protein structure/function; Has not been previously published as pathogenic or benign to our knowledge